The following is an entry in ClinVar:

ClinVar aggregate classification (germline): Uncertain significance (1 of 4 stars; one submission).

Conditions:
Juvenile polyposis syndrome (JPS). Identifiers: Orphanet 2929, MedGen C0345893, MONDO:0017380, OMIM 174900.

Submission:

Labcorp Genetics (formerly Invitae), Labcorp
Classification: Uncertain significance for Juvenile polyposis syndrome. Last evaluated: 2020-06-18. Review status: criteria provided, single submitter. Criteria: Invitae Variant Classification Sherloc (09022015). Collection method: clinical testing. Allele origin: germline.
Comment: This sequence change replaces tyrosine with cysteine at codon 276 of the SMAD4 protein (p.Tyr276Cys). The tyrosine residue is moderately conserved and there is a large physicochemical difference between tyrosine and cysteine. This variant is not present in population databases (ExAC no frequency). This variant has not been reported in the literature in individuals with SMAD4-related conditions. Algorithms developed to predict the effect of missense changes on protein structure and function (SIFT, PolyPhen-2, Align-GVGD) all suggest that this variant is likely to be disruptive, but these predictions have not been confirmed by published functional studies and their clinical significance is uncertain. In summary, the available evidence is currently insufficient to determine the role of this variant in disease. Therefore, it has been classified as a Variant of Uncertain Significance.

NM_005359.6(SMAD4):c.827A>G (p.Tyr276Cys)

Gene: SMAD4 (SMAD family member 4; plus strand). Cytogenetic location: 18q21.2.
Variant type: single nucleotide variant.
Coding change: c.827A>G on transcript NM_005359.6 (MANE Select); coding-DNA position 827, A replaced by G.
Protein change: p.Tyr276Cys; replaces tyrosine 276 with cysteine.
Molecular consequence: missense variant.
Genome position (GRCh38, 1-based): chr18:51,058,379, A>G. VCF-style: chr18-51058379-A-G. GRCh37 (hg19) VCF-style: chr18-48584749-A-G.
Other names: short protein forms Y276C.
Identifiers: ClinVar variation 1052688 (VCV001052688.9), dbSNP rs1229812463, ClinGen allele CA402463406.